The following is an entry in ClinVar:

NM_000089.4(COL1A2):c.394C>T (p.Arg132Cys)

Gene: COL1A2 (collagen type I alpha 2 chain; plus strand). Cytogenetic location: 7q21.3.
Variant type: single nucleotide variant.
Coding change: c.394C>T on transcript NM_000089.4 (MANE Select); coding-DNA position 394, C replaced by T.
Protein change: p.Arg132Cys; replaces arginine 132 with cysteine.
Molecular consequence: missense variant.
Genome position (GRCh38, 1-based): chr7:94,404,854, C>T. VCF-style: chr7-94404854-C-T. GRCh37 (hg19) VCF-style: chr7-94034166-C-T.
Other names: short protein forms R132C.
Identifiers: ClinVar variation 2945707 (VCV002945707.4), dbSNP rs774934546, ClinGen allele CA4346659.

ClinVar aggregate classification (germline): Uncertain significance. Review status: criteria provided, multiple submitters, no conflicts (2 of 4 stars). 2 submissions from 2 submitters: Uncertain significance (2). Last evaluated 2024-03-05.

Conditions:
Osteogenesis imperfecta type I (OI1). Also called: Lobstein disease; OI, TYPE I; OSTEOGENESIS IMPERFECTA TARDA; OSTEOGENESIS IMPERFECTA WITH BLUE SCLERAE; Osteogenesis imperfecta type 1; Lobstein's Disease. Identifiers: Orphanet 216796, Orphanet 666, MedGen C0023931, MONDO:0008146, OMIM 166200. Disease mechanism: loss of function.
Ehlers-Danlos syndrome, classic type, 1 (EDSCL1). Also called: EDS I; EHLERS-DANLOS SYNDROME, GRAVIS TYPE; EHLERS-DANLOS SYNDROME, SEVERE CLASSIC TYPE; Ehlers-Danlos syndrome, type 1; Ehlers-Danlos Syndrome, Classic Type, COL5A1-Related. Identifiers: MedGen C0268335, MONDO:0019567, OMIM 130000.

Allele frequency attached by ClinVar (database versions not stated): gnomAD 0.00001; gnomAD exomes below 0.00001.
gnomAD v4.1: 2 of 1,613,840 alleles (0.00012%); highest among the groups gnomAD compares: Non-Finnish European, 0.00017%; no homozygotes.

Submissions (2):

Labcorp Genetics (formerly Invitae), Labcorp
Classification: Uncertain significance for Osteogenesis imperfecta type I; Ehlers-Danlos syndrome, classic type, 1. Last evaluated: 2024-03-05. Review status: criteria provided, single submitter. Criteria: Invitae Variant Classification Sherloc (09022015). Collection method: clinical testing. Allele origin: germline.
Comment: This sequence change replaces arginine, which is basic and polar, with cysteine, which is neutral and slightly polar, at codon 132 of the COL1A2 protein (p.Arg132Cys). This variant is present in population databases (rs774934546, gnomAD 0.0009%). This variant has not been reported in the literature in individuals affected with COL1A2-related conditions. Advanced modeling of protein sequence and biophysical properties (such as structural, functional, and spatial information, amino acid conservation, physicochemical variation, residue mobility, and thermodynamic stability) performed at Invitae indicates that this missense variant is expected to disrupt COL1A2 protein function with a positive predictive value of 95%. In summary, the available evidence is currently insufficient to determine the role of this variant in disease. Therefore, it has been classified as a Variant of Uncertain Significance.

GeneDx
Classification: Uncertain significance. Last evaluated: 2023-06-13. Review status: criteria provided, single submitter. Criteria: GeneDx Variant Classification Process June 2021. Collection method: clinical testing. Allele origin: germline. Affected: yes.
Comment: Has not been previously published as pathogenic or benign to our knowledge; Not observed at significant frequency in large population cohorts (gnomAD); Occurs in the triple helical domain at the Y position in the canonical Gly-X-Y repeat; although this variant may have an effect on normal protein folding and function, missense substitution at the Y position is not a common mechanism of disease (HGMD); In silico analysis supports that this missense variant has a deleterious effect on protein structure/function